The following is an entry in ClinVar:

ClinVar aggregate classification (germline): Likely pathogenic (1 of 4 stars; one submission).

Conditions:
Early-infantile DEE. Also called: Early infantile epileptic encephalopathy; Early infantile epileptic encephalopathy with suppression bursts; Ohtahara syndrome. Identifiers: Orphanet 1934, MedGen C0393706, MONDO:0800491.

Submission:

Labcorp Genetics (formerly Invitae), Labcorp
Classification: Likely pathogenic for Early-infantile DEE. Last evaluated: 2025-03-16. Review status: criteria provided, single submitter. Criteria: Invitae Variant Classification Sherloc (09022015). Collection method: clinical testing. Allele origin: germline.
Comment: This sequence change replaces aspartic acid, which is acidic and polar, with valine, which is neutral and non-polar, at codon 1866 of the SCN1A protein (p.Asp1866Val). This variant is not present in population databases (gnomAD no frequency). This missense change has been observed in individual(s) with seizures (PMID: 30945278). Invitae Evidence Modeling of protein sequence and biophysical properties (such as structural, functional, and spatial information, amino acid conservation, physicochemical variation, residue mobility, and thermodynamic stability) indicates that this missense variant is expected to disrupt SCN1A protein function with a positive predictive value of 95%. This variant disrupts the p.Asp1866 amino acid residue in SCN1A. Other variant(s) that disrupt this residue have been determined to be pathogenic (PMID: 28012175; internal data). This suggests that this residue is clinically significant, and that variants that disrupt this residue are likely to be disease-causing. In summary, the currently available evidence indicates that the variant is pathogenic, but additional data are needed to prove that conclusively. Therefore, this variant has been classified as Likely Pathogenic.

Literature cited by the submitters: PubMed 30945278; PubMed 28012175.

NM_001165963.4(SCN1A):c.5597A>T (p.Asp1866Val)

Genes: SCN1A (sodium voltage-gated channel alpha subunit 1; minus strand), LOC102724058 (uncharacterized LOC102724058; plus strand). Cytogenetic location: 2q24.3.
Variant type: single nucleotide variant.
Coding change: c.5597A>T on transcript NM_001165963.4 (MANE Select); coding-DNA position 5597, A replaced by T.
Protein change: p.Asp1866Val; replaces aspartic acid 1866 with valine.
Molecular consequence: missense variant. On other transcripts: non-coding transcript variant (1).
Genome position (GRCh38, 1-based): chr2:165,991,678, T>A on the plus strand (A>T on the coding strand, the complement: SCN1A is on the minus strand). VCF-style: chr2-165991678-T-A. GRCh37 (hg19) VCF-style: chr2-166848188-T-A.
Other names: c.5513A>T, p.Asp1838Val (NM_001165964.3, NM_001353957.2, NM_001353958.2); c.5597A>T, p.Asp1866Val (NM_001202435.3, NM_001353948.2); c.5564A>T, p.Asp1855Val (NM_001353949.2, NM_001353950.2, NM_001353951.2 and 2 more transcripts); c.5561A>T, p.Asp1854Val (NM_001353954.2, NM_001353955.2); c.5510A>T, p.Asp1837Val (NM_001353960.2); c.3155A>T, p.Asp1052Val (NM_001353961.2); short protein forms D1855V, D1866V, D1838V, D1052V, D1837V, D1854V.
Identifiers: ClinVar variation 4750118 (VCV004750118.1).